The following is an entry in ClinVar:

ClinVar aggregate classification (germline): Uncertain significance (1 of 4 stars; one submission).

Conditions:
Epidermolysis bullosa simplex 3, localized or generalized intermediate, with BP230 deficiency (EBS3). Also called: Epidermolysis bullosa simplex due to BP230 deficiency; Epidermolysis bullosa simplex, autosomal recessive 2. Identifiers: Orphanet 412181, MedGen C3809470, MONDO:0014180, OMIM 615425.
Hereditary sensory and autonomic neuropathy type 6. Also called: HSAN VI; Neuropathy, hereditary sensory and autonomic, type VI. Identifiers: Orphanet 314381, MedGen C3539003, MONDO:0013839, OMIM 614653.

Allele frequency attached by ClinVar (database versions not stated): gnomAD 0.00001.
gnomAD v4.1: 6 of 1,586,792 alleles (0.00038%); highest among the groups gnomAD compares: East Asian, 0.011%; no homozygotes.

Submission:

Labcorp Genetics (formerly Invitae), Labcorp
Classification: Uncertain significance for Epidermolysis bullosa simplex 3, localized or generalized intermediate, with BP230 deficiency; Hereditary sensory and autonomic neuropathy type 6. Last evaluated: 2021-08-02. Review status: criteria provided, single submitter. Criteria: Invitae Variant Classification Sherloc (09022015). Collection method: clinical testing. Allele origin: germline.
Comment: This sequence change replaces glutamine with arginine at codon 3253 of the DST protein (p.Gln3253Arg). The DST gene has multiple clinically relevant transcripts. This variant occurs in alternate transcript NM_015548.4, and corresponds to NM_001723.5:c.*86623A>G in the primary transcript. This variant is not present in population databases (ExAC no frequency). This variant has not been reported in the literature in individuals affected with DST-related conditions. Experimental studies and prediction algorithms are not available or were not evaluated, and the functional significance of this variant is currently unknown. In summary, the available evidence is currently insufficient to determine the role of this variant in disease. Therefore, it has been classified as a Variant of Uncertain Significance.

NM_001374736.1(DST):c.17627A>G (p.Gln5876Arg)

Gene: DST (dystonin; minus strand). Cytogenetic location: 6p12.1.
Variant type: single nucleotide variant.
Coding change: c.17627A>G on transcript NM_001374736.1 (MANE Select); coding-DNA position 17627, A replaced by G.
Protein change: p.Gln5876Arg; replaces glutamine 5876 with arginine.
Molecular consequence: missense variant.
Genome position (GRCh38, 1-based): chr6:56,528,894, T>C on the plus strand (A>G on the coding strand, the complement: DST is on the minus strand). VCF-style: chr6-56528894-T-C. GRCh37 (hg19) VCF-style: chr6-56393692-T-C.
Other names: c.11270A>G, p.Gln3757Arg (NM_001144769.5); c.10856A>G, p.Gln3619Arg (NM_001144770.2); c.17627A>G, p.Gln5876Arg (NM_001374722.1); c.16667A>G, p.Gln5556Arg (NM_001374729.1); c.10409A>G, p.Gln3470Arg (NM_001374730.1); c.17654A>G, p.Gln5885Arg (NM_001374734.1); c.10736A>G, p.Gln3579Arg (NM_001386100.1, NM_183380.4); c.9758A>G, p.Gln3253Arg (NM_015548.5); short protein forms Q3757R, Q5885R, Q3470R, Q3579R, Q5556R, Q3253R, Q3619R, Q5876R.
Identifiers: ClinVar variation 1371668 (VCV001371668.6), dbSNP rs1411515241, ClinGen allele CA364507432.
Genomic context (GRCh38, chr6:56,528,894, plus strand): 5'-ATCTCACCTGTGGTTTGTTTAAGTAGTTCTAAACCATTTAGTAAAGCCTGATCTACATTT[T>C]GTTTCCTGAGTAAGATGTCCTCTTGCAGAACCTGAAAACACAGGTACCATTTTTATGTGG-3'
Protein context (NP_001361665.1, residues 5866-5886): VLQEDILLRK[Gln5876Arg]NVDQALLNGL